The following is an entry in ClinVar:

NM_001110556.2(FLNA):c.500C>A (p.Thr167Asn)

Gene: FLNA (filamin A; minus strand). Cytogenetic location: Xq28.
Variant type: single nucleotide variant.
Coding change: c.500C>A on transcript NM_001110556.2 (MANE Select); coding-DNA position 500, C replaced by A.
Protein change: p.Thr167Asn; replaces threonine 167 with asparagine.
Molecular consequence: missense variant.
Genome position (GRCh38, 1-based): chrX:154,367,964, G>T on the plus strand (C>A on the coding strand, the complement: FLNA is on the minus strand). VCF-style: chrX-154367964-G-T. GRCh37 (hg19) VCF-style: chrX-153596332-G-T.
Other names: p.T167N:ACC>AAC; c.500C>A, p.Thr167Asn (NM_001456.4); short protein forms T167N.
Identifiers: ClinVar variation 213513 (VCV000213513.48), dbSNP rs863223641, ClinGen allele CA321035.

ClinVar aggregate classification (germline): Conflicting classifications of pathogenicity. Review status: criteria provided, conflicting classifications (1 of 4 stars). 4 submissions from 4 submitters: Uncertain significance (3); Likely benign (1). Last evaluated 2026-06-09.

Conditions:
Melnick-Needles syndrome (MNS). Also called: MELNICK-NEEDLES OSTEODYSPLASTY; Melnick-Needles Syndrome (FLNA-MNS); OSTEODYSPLASTY OF MELNICK AND NEEDLES. Identifiers: Orphanet 2484, MedGen C0025237, MONDO:0010650, OMIM 309350.
Heterotopia, periventricular, X-linked dominant (PVNH1). Also called: PERIVENTRICULAR NODULAR HETEROTOPIA 4; HETEROTOPIA, PERIVENTRICULAR, 1; X-linked periventricular heterotopia; PERIVENTRICULAR NODULAR HETEROTOPIA 1. Identifiers: Orphanet 2149, Orphanet 82004, MedGen C1848213, MONDO:0010233, OMIM 300049.
Oto-palato-digital syndrome, type II (OPD2). Also called: FACIOPALATOOSSEOUS SYNDROME; Otopalatodigital Syndrome, Type II; Otopalatodigital Syndrome Type 2 (FLNA-OPD2); OPD II SYNDROME. Identifiers: Orphanet 669, Orphanet 90652, MedGen C1844696, MONDO:0010571, OMIM 304120.
Frontometaphyseal dysplasia (FMD1). Identifiers: Orphanet 1826, MedGen C0265293, MONDO:0015942.
Familial thoracic aortic aneurysm and aortic dissection (TAAD). Also called: Thoracic aortic aneurysms and dissections. Identifiers: Orphanet 91387, MedGen C4707243, MONDO:0019625.

Allele frequency attached by ClinVar (database versions not stated): gnomAD exomes below 0.00001 and 0.00001; TOPMed 0.00001; gnomAD 0.00005.
gnomAD v4.1: 3 of 1,211,345 alleles (0.00025%); highest among the groups gnomAD compares: Non-Finnish European, 0.00034%; no homozygotes.

Submissions (4):

Ambry Genetics
Classification: Uncertain significance for Familial thoracic aortic aneurysm and aortic dissection. Last evaluated: 2026-06-09. Review status: criteria provided, single submitter. Criteria: Ambry Variant Classification Scheme 2023. Collection method: clinical testing. Allele origin: germline.
Comment: The p.T167N variant (also known as c.500C>A), located in coding exon 2 of the FLNA gene, results from a C to A substitution at nucleotide position 500. The threonine at codon 167 is replaced by asparagine, an amino acid with similar properties. This amino acid position is conserved. In addition, the in silico prediction for this alteration is inconclusive. Based on the available evidence, the clinical significance of this variant remains unclear.

Labcorp Genetics (formerly Invitae), Labcorp
Classification: Likely benign for Oto-palato-digital syndrome, type II; Heterotopia, periventricular, X-linked dominant; Frontometaphyseal dysplasia; Melnick-Needles syndrome. Last evaluated: 2024-06-13. Review status: criteria provided, single submitter. Criteria: Invitae Variant Classification Sherloc (09022015). Collection method: clinical testing. Allele origin: germline.

GeneDx
Classification: Uncertain significance. Last evaluated: 2016-07-27. Review status: criteria provided, single submitter. Criteria: GeneDx Variant Classification (06012015). Collection method: clinical testing. Allele origin: germline. Affected: yes.
Comment: The T167N variant has not been published as a pathogenic variant, nor has it been reported as a benign variant to our knowledge. This variant was not observed in approximately 6,400 individuals of European and African American ancestry in the NHLBI Exome Sequencing Project, indicating it is not a common benign variant in these populations. This substitution occurs at a position that is conserved across species and in silico analysis predicts this variant is probably damaging to the protein structure/function. Two missense variants in nearby residues (Q170P, l172F) have been reported in the Human Gene Mutation Database in association with FLNA-related conditions (Stenson et al., 2014); however, the pathogenicity of these variants has not been definitively determined. Furthermore, the T167N variant is a conservative amino acid substitution, which is not likely to impact secondary protein structure as these residues share similar properties. Therefore, based on the currently available information, it is unclear whether this variant is pathogenic or benign.

CeGaT Center for Human Genetics Tuebingen
Classification: Uncertain significance. Last evaluated: 2016-05-01. Review status: criteria provided, single submitter. Criteria: CeGaT Center For Human Genetics Tuebingen Variant Classification Criteria Version 2. Collection method: clinical testing. Allele origin: germline. Affected: yes. Observed: 1 variant allele.